The following is an entry in ClinVar:

ClinVar aggregate classification (germline): Uncertain significance (1 of 4 stars; one submission).

Conditions:
Cardiovascular phenotype. Identifiers: MedGen CN230736.

Submission:

Ambry Genetics
Classification: Uncertain significance for Cardiovascular phenotype. Last evaluated: 2024-02-03. Review status: criteria provided, single submitter. Criteria: Ambry Variant Classification Scheme 2023. Collection method: clinical testing. Allele origin: germline.
Comment: The p.L992P variant (also known as c.2975T>C), located in coding exon 19 of the SOS2 gene, results from a T to C substitution at nucleotide position 2975. The leucine at codon 992 is replaced by proline, an amino acid with similar properties. This amino acid position is conserved. In addition, this alteration is predicted to be deleterious by in silico analysis. Based on the available evidence, the clinical significance of this alteration remains unclear.

NM_006939.4(SOS2):c.2975T>C (p.Leu992Pro)

Gene: SOS2 (SOS Ras/Rho guanine nucleotide exchange factor 2; minus strand). Cytogenetic location: 14q21.3.
Variant type: single nucleotide variant.
Coding change: c.2975T>C on transcript NM_006939.4 (MANE Select); coding-DNA position 2975, T replaced by C.
Protein change: p.Leu992Pro; replaces leucine 992 with proline.
Molecular consequence: missense variant.
Genome position (GRCh38, 1-based): chr14:50,134,223, A>G on the plus strand (T>C on the coding strand, the complement: SOS2 is on the minus strand). VCF-style: chr14-50134223-A-G. GRCh37 (hg19) VCF-style: chr14-50600941-A-G.
Other names: c.2876T>C, p.Leu959Pro (NM_001411020.1); short protein forms L959P, L992P.
Identifiers: ClinVar variation 3225962 (VCV003225962.1), dbSNP rs2502851164, ClinGen allele CA389641910.